The following is an entry in ClinVar:

ClinVar aggregate classification (germline): Conflicting classifications of pathogenicity. Review status: criteria provided, conflicting classifications (1 of 4 stars). 3 submissions from 3 submitters: Uncertain significance (1); Likely benign (2). Last evaluated 2025-01-23.

Allele frequency attached by ClinVar (database versions not stated): 1000 Genomes Project 30x 0.00016; 1000 Genomes Project 0.00020; gnomAD exomes 0.00021 and 0.00035; TOPMed 0.00021; ESP Exome Variant Server 0.00023; gnomAD 0.00023 and 0.00024; ExAC 0.00047.

Submissions (3):

Labcorp Genetics (formerly Invitae), Labcorp
Classification: Uncertain significance. Last evaluated: 2025-01-23. Review status: criteria provided, single submitter. Criteria: Invitae Variant Classification Sherloc (09022015). Collection method: clinical testing. Allele origin: germline.
Comment: This sequence change falls in intron 12 of the SLC34A1 gene. It does not directly change the encoded amino acid sequence of the SLC34A1 protein. It affects a nucleotide within the consensus splice site. This variant is present in population databases (rs376448083, gnomAD 0.06%). This variant has been observed in individual(s) with clinical features of SLC34A1-related conditions (PMID: 34721296). ClinVar contains an entry for this variant (Variation ID: 860199). Variants that disrupt the consensus splice site are a relatively common cause of aberrant splicing (PMID: 17576681, 9536098). Algorithms developed to predict the effect of sequence changes on RNA splicing suggest that this variant is not likely to affect RNA splicing. In summary, the available evidence is currently insufficient to determine the role of this variant in disease. Therefore, it has been classified as a Variant of Uncertain Significance.

Blueprint Genetics
Classification: Likely benign. Last evaluated: 2024-11-20. Review status: criteria provided, single submitter. Criteria: ACMG Guidelines, 2015. Collection method: clinical testing. Allele origin: germline.

GeneDx
Classification: Likely benign. Last evaluated: 2021-02-02. Review status: criteria provided, single submitter. Criteria: GeneDx Variant Classification Process June 2021. Collection method: clinical testing. Allele origin: germline. Affected: yes.

Literature cited by the submitters: PubMed 34721296 (cited by Labcorp Genetics (formerly Invitae), Labcorp); PubMed 17576681 (cited by Labcorp Genetics (formerly Invitae), Labcorp); PubMed 9536098 (cited by Labcorp Genetics (formerly Invitae), Labcorp).

NM_003052.5(SLC34A1):c.1416+3G>A

Gene: SLC34A1 (solute carrier family 34 member 1; plus strand). Cytogenetic location: 5q35.3.
Variant type: single nucleotide variant.
Coding change: c.1416+3G>A on transcript NM_003052.5 (MANE Select); 3 bases into the intron after coding-DNA position 1416, G replaced by A.
Molecular consequence: intron variant.
Genome position (GRCh38, 1-based): chr5:177,397,077, G>A. VCF-style: chr5-177397077-G-A. GRCh37 (hg19) VCF-style: chr5-176824078-G-A.
Identifiers: ClinVar variation 860199 (VCV000860199.9), dbSNP rs376448083, ClinGen allele CA3580776.